The following is an entry in ClinVar:

ClinVar aggregate classification (germline): Uncertain significance (1 of 4 stars; one submission).

Conditions:
Hereditary cancer-predisposing syndrome. Also called: Neoplastic Syndromes, Hereditary; Hereditary Cancer Syndrome; Hereditary neoplastic syndrome; Tumor predisposition. Identifiers: Orphanet 140162, MedGen C0027672, MeSH D009386, MONDO:0015356.

gnomAD v4.1: 1 of 1,613,692 alleles (0.000062%); no homozygotes.

Submission:

Ambry Genetics
Classification: Uncertain significance for Hereditary cancer-predisposing syndrome. Last evaluated: 2023-04-07. Review status: criteria provided, single submitter. Criteria: Ambry Variant Classification Scheme 2023. Collection method: clinical testing. Allele origin: germline.
Comment: The p.T798R variant (also known as c.2393C>G), located in coding exon 17 of the TSC1 gene, results from a C to G substitution at nucleotide position 2393. The threonine at codon 798 is replaced by arginine, an amino acid with similar properties. This amino acid position is well conserved in available vertebrate species. In addition, the in silico prediction for this alteration is inconclusive. Since supporting evidence is limited at this time, the clinical significance of this alteration remains unclear.

NM_000368.5(TSC1):c.2393C>G (p.Thr798Arg)

Gene: TSC1 (TSC complex subunit 1; minus strand). Cytogenetic location: 9q34.13.
Variant type: single nucleotide variant.
Coding change: c.2393C>G on transcript NM_000368.5 (MANE Select); coding-DNA position 2393, C replaced by G.
Protein change: p.Thr798Arg; replaces threonine 798 with arginine.
Molecular consequence: missense variant. On other transcripts: non-coding transcript variant (5).
Genome position (GRCh38, 1-based): chr9:132,901,698, G>C on the plus strand (C>G on the coding strand, the complement: TSC1 is on the minus strand). VCF-style: chr9-132901698-G-C. GRCh37 (hg19) VCF-style: chr9-135777085-G-C.
Other names: c.2240C>G, p.Thr747Arg (NM_001162427.2, NM_001406610.1); c.2390C>G, p.Thr797Arg (NM_001162426.2, NM_001406597.1, NM_001406598.1 and 4 more transcripts); c.2030C>G, p.Thr677Arg (NM_001362177.2, NM_001406614.1, NM_001406615.1 and 5 more transcripts); c.2393C>G, p.Thr798Arg (NM_001406592.1, NM_001406593.1, NM_001406594.1 and 5 more transcripts); c.2378C>G, p.Thr793Arg (NM_001406601.1, NM_001406602.1); c.2375C>G, p.Thr792Arg (NM_001406603.1, NM_001406604.1); c.2237C>G, p.Thr746Arg (NM_001406611.1, NM_001406612.1, NM_001406613.1); c.2027C>G, p.Thr676Arg (NM_001406620.1, NM_001406621.1, NM_001406622.1 and 2 more transcripts); and 3 more; short protein forms T676R, T747R, T793R, T798R, T481R, T746R, T797R, T447R.
Identifiers: ClinVar variation 2562848 (VCV002562848.2), dbSNP rs1331635112, ClinGen allele CA375358829.
Genomic context (GRCh38, chr9:132,901,698, plus strand): 5'-TTGGCCTTCTTCAGTTCTATCCGCAGCTCCGCAATCATGTTCCTGCAGTCCTCCAGCTTC[G>C]TCTGCCCAAAGAGACGTGGACATGAAGTTTGAGGAACACCAACAGGCCAGATCACAGGCC-3'
Protein context (NP_000359.1, residues 788-808): EFYNQSQELQ[Thr798Arg]KLEDCRNMIA